The following is an entry in ClinVar:

ClinVar aggregate classification (germline): Uncertain significance (1 of 4 stars; one submission).

Conditions:
Megacolon. Identifiers: MedGen C0025160, MONDO:0001273, HP:6000852.
Abnormal facial shape. Also called: Dysmorphic facies; Dysmorphic facial features. Identifiers: MedGen C0424503, HP:0001999.

Allele frequency attached by ClinVar (database versions not stated): gnomAD 0.00001 and 0.00002; ExAC 0.00002; gnomAD exomes 0.00002 and 0.00004.

Submission:

Diagnostics Division, CENTRE FOR DNA FINGERPRINTING AND DIAGNOSTICS
Classification: Uncertain significance for Aganglionic megacolon; Abnormal facial shape. Last evaluated: 2019-05-26. Review status: criteria provided, single submitter. Criteria: ACMG Guidelines, 2015. Collection method: research. Allele origin: paternal. Affected: yes. Observed: 1 heterozygote.
Comment: The g.43612001delT variant is located in the splicing branch point sequence. Human Splicing Finder predicts a potential alteration of splicing. No functional studies have been done to confirm the consequence of the variant identified.

NM_020975.6(RET):c.2137-31del

Gene: RET (ret proto-oncogene; plus strand). Cytogenetic location: 10q11.21.
Variant type: Deletion.
Coding change: c.2137-31del on transcript NM_020975.6 (MANE Select); 31 bases into the intron before coding-DNA position 2137, one base deleted (T; older notation c.2137-31delT).
Molecular consequence: intron variant.
Genome position (GRCh38, 1-based): chr10:43,116,553, T deleted. VCF-style (leftmost placement, unchanged base first): chr10-43116552-CT-C. GRCh37 (hg19) VCF-style: chr10-43612000-CT-C.
Other names: c.2137-31del (NM_020630.7, NM_001406743.1, NM_001406744.1 and 2 more transcripts); c.2002-31del (NM_001406765.1, NM_001406763.1); c.1741-31del (NM_001406772.1, NM_001406769.1); c.1699-31del (NM_001406773.1, NM_001406771.1); c.1240-31del (NM_001406782.1, NM_001406780.1, NM_001406779.1 and 1 more transcripts); c.1105-31del (NM_001406787.1); c.1120-31del (NM_001406785.1); c.2008-31del (NM_001406764.1, NM_001406762.1, NM_001406761.1); and 10 more.
Identifiers: ClinVar variation 633602 (VCV000633602.5), dbSNP rs778378926, ClinGen allele CA5476479.